The following is an entry in ClinVar:

NM_007294.4(BRCA1):c.2212G>C (p.Val738Leu)

Gene: BRCA1 (BRCA1 DNA repair associated; minus strand). Cytogenetic location: 17q21.31.
Variant type: single nucleotide variant.
Coding change: c.2212G>C on transcript NM_007294.4 (MANE Select); coding-DNA position 2212, G replaced by C.
Protein change: p.Val738Leu; replaces valine 738 with leucine.
Molecular consequence: missense variant. On other transcripts: intron variant (137).
Genome position (GRCh38, 1-based): chr17:43,093,319, C>G on the plus strand (G>C on the coding strand, the complement: BRCA1 is on the minus strand). VCF-style: chr17-43093319-C-G. GRCh37 (hg19) VCF-style: chr17-41245336-C-G.
Other names: c.2002G>C, p.Val668Leu (NM_001407889.1, NM_001407900.1, NM_001407902.1 and 13 more transcripts); c.1999G>C, p.Val667Leu (NM_001407894.1, NM_001407895.1, NM_001407896.1 and 9 more transcripts); c.2089G>C, p.Val697Leu (NM_001407919.1, NM_001407937.1, NM_001407938.1 and 19 more transcripts); c.1948G>C, p.Val650Leu (NM_001407920.1, NM_001407921.1, NM_001407922.1 and 9 more transcripts); c.2086G>C, p.Val696Leu (NM_001407940.1, NM_001407941.1, NM_001407672.1 and 11 more transcripts); c.2071G>C, p.Val691Leu (NM_001407942.1, NM_001407944.1, NM_001407945.1 and 29 more transcripts); c.2068G>C, p.Val690Leu (NM_001407943.1, NM_001407964.1, NM_001407740.1 and 20 more transcripts); c.1879G>C, p.Val627Leu (NM_001407946.1, NM_001407957.1, NM_001407947.1 and 6 more transcripts); and 41 more; short protein forms V626L, V649L, V650L, V667L, V690L, V711L, V668L, V670L.
Identifiers: ClinVar variation 2108545 (VCV002108545.7), dbSNP rs2154392681, ClinGen allele CA10597573.

ClinVar aggregate classification (germline): Conflicting classifications of pathogenicity. Review status: criteria provided, conflicting classifications (1 of 4 stars). 3 submissions from 3 submitters: Uncertain significance (2); Likely benign (1). Last evaluated 2026-06-17.

Conditions:
Hereditary breast ovarian cancer syndrome. Also called: Hereditary breast and ovarian cancer; Hereditary breast and/or ovarian cancer syndrome; Breast and ovarian cancer; Hereditary breast and ovarian cancer syndrome; Hereditary breast and ovarian cancer syndrome (HBOC); BRCA1- and BRCA2-Associated Hereditary Breast and Ovarian Cancer. Identifiers: Orphanet 145, MedGen C0677776, MeSH D061325, MONDO:0003582. Disease mechanism: loss of function.
Hereditary cancer-predisposing syndrome. Also called: Tumor predisposition; Hereditary Cancer Syndrome; Hereditary neoplastic syndrome; Neoplastic Syndromes, Hereditary. Identifiers: Orphanet 140162, MedGen C0027672, MeSH D009386, MONDO:0015356.

Submissions (3):

Ambry Genetics
Classification: Uncertain significance for Hereditary cancer-predisposing syndrome. Last evaluated: 2026-06-17. Review status: criteria provided, single submitter. Criteria: Ambry Variant Classification Scheme 2023. Collection method: clinical testing. Allele origin: germline.

University of Washington Department of Laboratory Medicine, University of Washington
Classification: Likely benign for Hereditary cancer-predisposing syndrome. Last evaluated: 2023-03-23. Review status: criteria provided, single submitter. Criteria: Dines et al. (Genet Med. 2020). Collection method: curation. Allele origin: germline.
Comment: Missense variant in a coldspot region where missense variants are very unlikely to be pathogenic (PMID:31911673).

BRCA1 coldspot (exon 11 using historical exon numbering). Reclassification based on statistical prior probability

Labcorp Genetics (formerly Invitae), Labcorp
Classification: Uncertain significance for Hereditary breast ovarian cancer syndrome. Last evaluated: 2022-03-10. Review status: criteria provided, single submitter. Criteria: Invitae Variant Classification Sherloc (09022015). Collection method: clinical testing. Allele origin: germline.
Comment: This variant has not been reported in the literature in individuals affected with BRCA1-related conditions. This variant is not present in population databases (gnomAD no frequency). In summary, the available evidence is currently insufficient to determine the role of this variant in disease. Therefore, it has been classified as a Variant of Uncertain Significance. Advanced modeling of protein sequence and biophysical properties (such as structural, functional, and spatial information, amino acid conservation, physicochemical variation, residue mobility, and thermodynamic stability) performed at Invitae indicates that this missense variant is not expected to disrupt BRCA1 protein function. This sequence change replaces valine, which is neutral and non-polar, with leucine, which is neutral and non-polar, at codon 738 of the BRCA1 protein (p.Val738Leu).